The following is an entry in ClinVar:

NM_001364905.1(LRBA):c.884A>G (p.Lys295Arg)

Gene: LRBA (LPS responsive beige-like anchor protein; minus strand). Cytogenetic location: 4q31.3.
Variant type: single nucleotide variant.
Coding change: c.884A>G on transcript NM_001364905.1 (MANE Select); coding-DNA position 884, A replaced by G.
Protein change: p.Lys295Arg; replaces lysine 295 with arginine.
Molecular consequence: missense variant.
Genome position (GRCh38, 1-based): chr4:150,916,411, T>C on the plus strand (A>G on the coding strand, the complement: LRBA is on the minus strand). VCF-style: chr4-150916411-T-C. GRCh37 (hg19) VCF-style: chr4-151837563-T-C.
Other names: c.884A>G, p.Lys295Arg (NM_001199282.3, NM_001367550.1, NM_006726.5); short protein forms K295R.
Identifiers: ClinVar variation 1993206 (VCV001993206.2), dbSNP rs745845253, ClinGen allele CA3103747.

ClinVar aggregate classification (germline): Uncertain significance (1 of 4 stars; one submission).

Conditions:
Combined immunodeficiency due to LRBA deficiency. Also called: Common variable immunodeficiency 8, with autoimmunity. Identifiers: Orphanet 445018, MedGen C3553512, MONDO:0013863, OMIM 614700.

Allele frequency attached by ClinVar (database versions not stated): gnomAD exomes below 0.00001; ExAC 0.00001.
gnomAD v4.1: 2 of 1,613,078 alleles (0.00012%); highest among the groups gnomAD compares: Admixed American, 0.0033%; no homozygotes.

Submission:

Labcorp Genetics (formerly Invitae), Labcorp
Classification: Uncertain significance for Combined immunodeficiency due to LRBA deficiency. Last evaluated: 2022-05-21. Review status: criteria provided, single submitter. Criteria: Invitae Variant Classification Sherloc (09022015). Collection method: clinical testing. Allele origin: germline.
Comment: In summary, the available evidence is currently insufficient to determine the role of this variant in disease. Therefore, it has been classified as a Variant of Uncertain Significance. Algorithms developed to predict the effect of missense changes on protein structure and function are either unavailable or do not agree on the potential impact of this missense change (SIFT: "Tolerated"; PolyPhen-2: "Probably Damaging"; Align-GVGD: "Class C0"). This variant has not been reported in the literature in individuals affected with LRBA-related conditions. This variant is present in population databases (rs745845253, gnomAD 0.003%). This sequence change replaces lysine, which is basic and polar, with arginine, which is basic and polar, at codon 295 of the LRBA protein (p.Lys295Arg).